The following is an entry in ClinVar:

ClinVar aggregate classification (germline): Uncertain significance (1 of 4 stars; one submission).

Conditions:
Intellectual developmental disorder, X-linked 97. Also called: Intellectual disability, X-linked 97. Identifiers: Orphanet 777, MedGen C2749020, MONDO:0010430, OMIM 300803.

Allele frequency attached by ClinVar (database versions not stated): gnomAD exomes below 0.00001; gnomAD 0.00001.
gnomAD v4.1: 2 of 1,209,442 alleles (0.00017%); highest among the groups gnomAD compares: Non-Finnish European, 0.00022%; no homozygotes.

Submission:

Victorian Clinical Genetics Services, Murdoch Childrens Research Institute
Classification: Uncertain significance for Intellectual developmental disorder, X-linked 97. Last evaluated: 2023-12-21. Review status: criteria provided, single submitter. Criteria: ACMG Guidelines, 2015. Collection method: clinical testing. Allele origin: germline. Inheritance: X-linked recessive inheritance. Affected: yes.
Comment: Based on the classification scheme VCGS_Germline_v1.3.4, this variant is classified as VUS-3C. Following criteria are met: 0102 - Loss of function is a known mechanism of disease in this gene and is associated with X-linked intellectual developmental disorder 97 (MIM#300803). (I) 0109 - This gene is associated with X-linked recessive disease. (I) 0200 - Variant is predicted to result in a missense amino acid change from threonine to alanine. (I) 0253 - This variant is hemizygous. (I) 0304 - Variant is present in gnomAD <0.01 for a recessive condition (v2: 1 heterozygote, 0 homozygotes, 0 hemizygotes). (SP) 0503 - Missense variant consistently predicted to be tolerated by multiple in silico tools or not conserved in placental mammals with a minor amino acid change. (SB) 0600 - Variant is located in the annotated Zfx_Zfy_actdomain (DECIPHER). (I) 0705 - No comparable missense variants have previous evidence for pathogenicity. (I) 0807 - This variant has no previous evidence of pathogenicity. (I) 0905 - No published segregation evidence has been identified for this variant. (I) 1007 - No published functional evidence has been identified for this variant. (I) Legend: (SP) - Supporting pathogenic, (I) - Information, (SB) - Supporting benign

NM_001330574.2(ZNF711):c.493A>G (p.Thr165Ala)

Gene: ZNF711 (ZFX family zinc finger ZNF711; plus strand). Cytogenetic location: Xq21.1.
Variant type: single nucleotide variant.
Coding change: c.493A>G on transcript NM_001330574.2 (MANE Select); coding-DNA position 493, A replaced by G.
Protein change: p.Thr165Ala; replaces threonine 165 with alanine.
Molecular consequence: missense variant.
Genome position (GRCh38, 1-based): chrX:85,255,672, A>G. VCF-style: chrX-85255672-A-G. GRCh37 (hg19) VCF-style: chrX-84510678-A-G.
Other names: c.493A>G, p.Thr165Ala (NM_001375431.1, NM_001375432.1, NM_001375433.1 and 5 more transcripts); short protein forms T165A.
Identifiers: ClinVar variation 3255097 (VCV003255097.1), dbSNP rs1219347211.
Genomic context (GRCh38, chrX:85,255,672, plus strand): 5'-GTCCAAGATTGTGTTTCAGGAGTCGACTCTCCCACAATGGTATCAGAGGAGGTTCTTGTA[A>G]CTAATTCAGATACAGAAACTGTGATTCAAGCAGCTGGAGGTGTTCCTGGTTCTACAGTTA-3'
Protein context (NP_001317503.1, residues 155-175): PTMVSEEVLV[Thr165Ala]NSDTETVIQA